The following is an entry in ClinVar:

NM_153026.3(PRICKLE1):c.1393A>G (p.Lys465Glu)

Gene: PRICKLE1 (prickle planar cell polarity protein 1; minus strand). Cytogenetic location: 12q12.
Variant type: single nucleotide variant.
Coding change: c.1393A>G on transcript NM_153026.3 (MANE Select); coding-DNA position 1393, A replaced by G.
Protein change: p.Lys465Glu; replaces lysine 465 with glutamic acid.
Molecular consequence: missense variant.
Genome position (GRCh38, 1-based): chr12:42,464,641, T>C on the plus strand (A>G on the coding strand, the complement: PRICKLE1 is on the minus strand). VCF-style: chr12-42464641-T-C. GRCh37 (hg19) VCF-style: chr12-42858443-T-C.
Other names: c.1393A>G, p.Lys465Glu (NM_001144881.2, NM_001144882.2, NM_001144883.2); short protein forms K465E.
Identifiers: ClinVar variation 585126 (VCV000585126.12), dbSNP rs780931107, ClinGen allele CA6519755.

ClinVar aggregate classification (germline): Uncertain significance. Review status: criteria provided, multiple submitters, no conflicts (2 of 4 stars). 3 submissions from 3 submitters: Uncertain significance (3). Last evaluated 2023-11-07.

Conditions:
Epilepsy, progressive myoclonic, 1B. Also called: PME. Identifiers: Orphanet 308, MedGen C2676254, MONDO:0012904, OMIM 612437.

Allele frequency attached by ClinVar (database versions not stated): TOPMed below 0.00001; gnomAD 0.00001 and 0.00002; ExAC 0.00002; gnomAD exomes 0.00002 and 0.00003.
gnomAD v4.1: 37 of 1,613,980 alleles (0.0023%); highest among the groups gnomAD compares: South Asian, 0.027%; no homozygotes.

Submissions (3):

Revvity Omics, Revvity
Classification: Uncertain significance for Epilepsy, progressive myoclonic, 1B. Last evaluated: 2023-11-07. Review status: criteria provided, single submitter. Criteria: ACMG Guidelines, 2015. Collection method: clinical testing. Allele origin: germline.

Labcorp Genetics (formerly Invitae), Labcorp
Classification: Uncertain significance for Epilepsy, progressive myoclonic, 1B. Last evaluated: 2021-05-16. Review status: criteria provided, single submitter. Criteria: Invitae Variant Classification Sherloc (09022015). Collection method: clinical testing. Allele origin: germline.
Comment: This variant has not been reported in the literature in individuals with PRICKLE1-related conditions. ClinVar contains an entry for this variant (Variation ID: 585126). In summary, the available evidence is currently insufficient to determine the role of this variant in disease. Therefore, it has been classified as a Variant of Uncertain Significance. Algorithms developed to predict the effect of missense changes on protein structure and function (SIFT, PolyPhen-2, Align-GVGD) all suggest that this variant is likely to be tolerated, but these predictions have not been confirmed by published functional studies and their clinical significance is uncertain. This variant is present in population databases (rs780931107, ExAC 0.006%). This sequence change replaces lysine with glutamic acid at codon 465 of the PRICKLE1 protein (p.Lys465Glu). The lysine residue is highly conserved and there is a small physicochemical difference between lysine and glutamic acid.

Center for Genomics, Ann and Robert H. Lurie Children's Hospital of Chicago
Classification: Uncertain significance for Epilepsy, progressive myoclonic, 1B. Last evaluated: 2021-03-30. Review status: criteria provided, single submitter. Criteria: ACMG Guidelines, 2015. Collection method: clinical testing. Allele origin: germline.
Comment: PRICKLE1 NM_153026.2 exon 7 p.Lys465Glu (c.1393A>G): This variant has not been reported in the literature but is present in 0.001% (1/68022) of European alleles in the Genome Aggregation Database. Evolutionary conservation and computational predictive tools for this variant are unclear. In summary, data on this variant is insufficient for disease classification. Therefore, the clinical significance of this variant is uncertain.